The following is an entry in ClinVar:

NM_177550.5(SLC13A5):c.1330C>T (p.Pro444Ser)

Gene: SLC13A5 (solute carrier family 13 member 5; minus strand). Cytogenetic location: 17p13.1.
Variant type: single nucleotide variant.
Coding change: c.1330C>T on transcript NM_177550.5 (MANE Select); coding-DNA position 1330, C replaced by T.
Protein change: p.Pro444Ser; replaces proline 444 with serine.
Molecular consequence: missense variant.
Genome position (GRCh38, 1-based): chr17:6,690,886, G>A on the plus strand (C>T on the coding strand, the complement: SLC13A5 is on the minus strand). VCF-style: chr17-6690886-G-A. GRCh37 (hg19) VCF-style: chr17-6594205-G-A.
Other names: c.1330C>T, p.Pro444Ser (NM_001143838.3); c.1279C>T, p.Pro427Ser (NM_001284509.2); c.1201C>T, p.Pro401Ser (NM_001284510.2); short protein forms P444S, P427S, P401S.
Identifiers: ClinVar variation 373627 (VCV000373627.14), dbSNP rs765709852, ClinGen allele CA8331416.
Genomic context (GRCh38, chr17:6,690,886, plus strand): 5'-TTGTGCACTCAGTGAACACGGCAACGAGCAAGGACAAGATCAAGGTGATGGCTGCCGGGG[G>A]CACTGCGTGCAAGGGCTCCATCTGCTTCCCCATCCACACGGACAGCCCCGAGGCCTGGGA-3'
Protein context (NP_808218.1, residues 434-454): GKQMEPLHAV[Pro444Ser]PAAITLILSL

ClinVar aggregate classification (germline): Conflicting classifications of pathogenicity. Review status: criteria provided, conflicting classifications (1 of 4 stars). 4 submissions from 4 submitters: Uncertain significance (3); Likely benign (1). Last evaluated 2023-05-23.

Conditions:
Inborn genetic diseases. Identifiers: MedGen C0950123, MeSH D030342.
Developmental and epileptic encephalopathy, 25 (DEE25). Also called: Developmental and epileptic encephalopathy 25, with amelogenesis imperfecta; Epileptic encephalopathy, early infantile, 25, with amelogenesis imperfecta; Epileptic encephalopathy, early infantile, 25. Identifiers: Orphanet 442835, MedGen C4014621, MONDO:0014392, OMIM 615905.

Allele frequency attached by ClinVar (database versions not stated): gnomAD exomes 0.00001 and 0.00005; ExAC 0.00002; gnomAD 0.00002; TOPMed 0.00003.
gnomAD v4.1: 20 of 1,614,022 alleles (0.0012%); highest among the groups gnomAD compares: Admixed American, 0.023%; no homozygotes.

Submissions (4):

Ambry Genetics
Classification: Likely benign for Inborn genetic diseases. Last evaluated: 2023-05-23. Review status: criteria provided, single submitter. Criteria: Ambry Variant Classification Scheme 2023. Collection method: clinical testing. Allele origin: germline.

Labcorp Genetics (formerly Invitae), Labcorp
Classification: Uncertain significance for Developmental and epileptic encephalopathy, 25. Last evaluated: 2022-09-01. Review status: criteria provided, single submitter. Criteria: Invitae Variant Classification Sherloc (09022015). Collection method: clinical testing. Allele origin: germline.
Comment: This sequence change replaces proline, which is neutral and non-polar, with serine, which is neutral and polar, at codon 444 of the SLC13A5 protein (p.Pro444Ser). The frequency data for this variant in the population databases is considered unreliable, as metrics indicate poor data quality at this position in the gnomAD database. This variant has not been reported in the literature in individuals affected with SLC13A5-related conditions. ClinVar contains an entry for this variant (Variation ID: 373627). Algorithms developed to predict the effect of missense changes on protein structure and function output the following: SIFT: "Tolerated"; PolyPhen-2: "Benign"; Align-GVGD: "Class C0". The serine amino acid residue is found in multiple mammalian species, which suggests that this missense change does not adversely affect protein function. In summary, the available evidence is currently insufficient to determine the role of this variant in disease. Therefore, it has been classified as a Variant of Uncertain Significance.

Genome-Nilou Lab
Classification: Uncertain significance for Developmental and epileptic encephalopathy, 25. Last evaluated: 2021-07-15. Review status: criteria provided, single submitter. Criteria: ACMG Guidelines, 2015. Collection method: clinical testing. Allele origin: germline. Affected: no.

GeneDx
Classification: Uncertain significance. Last evaluated: 2016-11-30. Review status: criteria provided, single submitter. Criteria: GeneDx Variant Classification (06012015). Collection method: clinical testing. Allele origin: germline. Affected: yes.
Comment: A variant of uncertain significance has been identified in the SLC13A5 gene. The P444S variant has not been published as a pathogenic variant, nor has it been reported as a benign variant to our knowledge. The P444S variant is not observed at a significant frequency in large population cohorts (Lek et al., 2016; 1000 Genomes Consortium et al., 2015; Exome Variant Server). The P444S variant is a non-conservative amino acid substitution, which is likely to impact secondary protein structure as these residues differ in polarity, charge, size and/or other properties. However, this substitution occurs at a position that is not conserved. In silico analysis is inconsistent in its predictions as to whether or not the variant is damaging to the protein structure/function. Therefore, based on the currently available information, it is unclear whether this variant is a pathogenic variant or a rare benign variant.